The following is an entry in ClinVar:

ClinVar aggregate classification (germline): Likely pathogenic (1 of 4 stars; one submission).

Conditions:
Hereditary cancer-predisposing syndrome. Also called: Tumor predisposition; Hereditary Cancer Syndrome; Neoplastic Syndromes, Hereditary; Hereditary neoplastic syndrome. Identifiers: Orphanet 140162, MedGen C0027672, MeSH D009386, MONDO:0015356.

Allele frequency attached by ClinVar (database versions not stated): ExAC 0.00001.
gnomAD v4.1: 1 of 1,588,880 alleles (0.000063%); no homozygotes.

Submission:

Labcorp Genetics (formerly Invitae), Labcorp
Classification: Likely pathogenic for Hereditary cancer-predisposing syndrome. Last evaluated: 2023-10-18. Review status: criteria provided, single submitter. Criteria: Invitae Variant Classification Sherloc (09022015). Collection method: clinical testing. Allele origin: germline.
Comment: This sequence change affects an acceptor splice site in intron 2 of the RAD50 gene. It is expected to disrupt RNA splicing. Variants that disrupt the donor or acceptor splice site typically lead to a loss of protein function (PMID: 16199547), and loss-of-function variants in RAD50 are known to be pathogenic (PMID: 19409520). This variant is present in population databases (rs776909478, gnomAD 0.004%). Disruption of this splice site has been observed in individual(s) with breast cancer (PMID: 16474176). This variant is also known as IVS3-1G>A. Studies have shown that disruption of this splice site is associated with inconclusive levels of altered splicing (PMID: 16474176). In summary, the currently available evidence indicates that the variant is pathogenic, but additional data are needed to prove that conclusively. Therefore, this variant has been classified as Likely Pathogenic.

Literature cited by the submitters: PubMed 16199547; PubMed 19409520; PubMed 16474176.

NM_005732.4(RAD50):c.214-1G>A

Gene: RAD50 (RAD50 double strand break repair protein; plus strand). Cytogenetic location: 5q31.1.
Variant type: single nucleotide variant.
Coding change: c.214-1G>A on transcript NM_005732.4 (MANE Select); the canonical splice acceptor site of the intron before coding-DNA position 214, G replaced by A.
Molecular consequence: splice acceptor variant.
Genome position (GRCh38, 1-based): chr5:132,575,776, G>A. VCF-style: chr5-132575776-G-A. GRCh37 (hg19) VCF-style: chr5-131911468-G-A.
Identifiers: ClinVar variation 2734784 (VCV002734784.3), dbSNP rs776909478, ClinGen allele CA3404940.